The following is an entry in ClinVar:

ClinVar aggregate classification (germline): Likely benign. Review status: criteria provided, multiple submitters, no conflicts (2 of 4 stars). 2 submissions from 2 submitters: Likely benign (2). Last evaluated 2025-03-19.

Conditions:
Short-rib thoracic dysplasia 10 with or without polydactyly (SRTD10). Identifiers: Orphanet 474, MedGen C3810175, MONDO:0014284, OMIM 615630.
Retinitis pigmentosa 71 (RP71). Identifiers: Orphanet 791, MedGen C4225342, MONDO:0014618, OMIM 616394.
IFT172-related disorder. Also called: IFT172-related disorders; IFT172-related condition.

Allele frequency attached by ClinVar (database versions not stated): gnomAD 0.00001; TOPMed below 0.00001; ExAC 0.00001.
gnomAD v4.1: 4 of 1,614,132 alleles (0.00025%); highest among the groups gnomAD compares: East Asian, 0.0067%; no homozygotes.

Submissions (2):

PreventionGenetics, part of Exact Sciences
Classification: Likely benign for IFT172-related condition. Last evaluated: 2025-03-19. Review status: criteria provided, single submitter. Criteria: ACMG Guidelines, 2015. Collection method: clinical testing. Allele origin: germline.
Comment: This variant is classified as likely benign based on ACMG/AMP sequence variant interpretation guidelines (Richards et al. 2015 PMID: 25741868, with internal and published modifications).

Labcorp Genetics (formerly Invitae), Labcorp
Classification: Likely benign for Retinitis pigmentosa 71; Short-rib thoracic dysplasia 10 with or without polydactyly. Last evaluated: 2023-01-15. Review status: criteria provided, single submitter. Criteria: Invitae Variant Classification Sherloc (09022015). Collection method: clinical testing. Allele origin: germline.

NM_015662.3(IFT172):c.4756-5T>C

Genes: IFT172 (intraflagellar transport 172; minus strand), KRTCAP3 (keratinocyte associated protein 3; plus strand). Cytogenetic location: 2p23.3.
Variant type: single nucleotide variant.
Coding change: c.4756-5T>C on transcript NM_015662.3 (MANE Select); 5 bases into the intron before coding-DNA position 4756, T replaced by C.
Molecular consequence: intron variant.
Genome position (GRCh38, 1-based): chr2:27,445,993, A>G on the plus strand (T>C on the coding strand, the complement: IFT172 is on the minus strand). VCF-style: chr2-27445993-A-G. GRCh37 (hg19) VCF-style: chr2-27668860-A-G.
Other names: c.*6-308A>G (NM_001168364.2); c.4690-5T>C (NM_001410739.1).
Identifiers: ClinVar variation 2927215 (VCV002927215.4), dbSNP rs760183362, ClinGen allele CA1579484.